The following is an entry in ClinVar:

ClinVar aggregate classification (germline): Benign/Likely benign. Review status: criteria provided, multiple submitters, no conflicts (2 of 4 stars). 4 submissions from 4 submitters: Benign (2); Likely benign (2). Last evaluated 2026-01-16.

Conditions:
Hypophosphatemic rickets, autosomal recessive, 1 (ARHR1). Also called: HYPOPHOSPHATEMIA, AUTOSOMAL RECESSIVE. Identifiers: Orphanet 289176, MedGen C4551495, MONDO:0009430, OMIM 241520. Disease mechanism: loss of function.

Allele frequency attached by ClinVar (database versions not stated): gnomAD exomes 0.00011 and 0.00036; ExAC 0.00046; gnomAD 0.00111 and 0.00113; TOPMed 0.00135; ESP Exome Variant Server 0.00192; 1000 Genomes Project 0.00300; 1000 Genomes Project 30x 0.00328.

Submissions (4):

Labcorp Genetics (formerly Invitae), Labcorp
Classification: Benign. Last evaluated: 2026-01-16. Review status: criteria provided, single submitter. Criteria: Invitae Variant Classification Sherloc (09022015). Collection method: clinical testing. Allele origin: germline.

Blueprint Genetics
Classification: Likely benign. Last evaluated: 2024-06-05. Review status: criteria provided, single submitter. Criteria: ACMG Guidelines, 2015. Collection method: clinical testing. Allele origin: germline.

Fulgent Genetics
Classification: Likely benign for Hypophosphatemic rickets, autosomal recessive, 1. Last evaluated: 2021-07-22. Review status: criteria provided, single submitter. Criteria: ACMG Guidelines, 2015. Collection method: clinical testing. Allele origin: unknown.

Illumina Laboratory Services, Illumina
Classification: Benign for Hypophosphatemic rickets, autosomal recessive, 1. Last evaluated: 2017-04-28. Review status: criteria provided, single submitter. Criteria: ICSL Variant Classification Criteria 13 December 2019. Collection method: clinical testing. Allele origin: germline.
Comment: This variant was observed as part of a predisposition screen in an ostensibly healthy population. A literature search was performed for the gene, cDNA change, and amino acid change (where applicable). No publications were found based on this search. Allele frequency data from public databases was too high to be consistent with this variant causing disease. Therefore, this variant is classified as benign.

NM_004407.4(DMP1):c.600G>A (p.Gly200=)

Genes: DMP1 (dentin matrix acidic phosphoprotein 1; plus strand), DMP1-AS1 (DMP1 and DSPP antisense RNA 1; minus strand). Cytogenetic location: 4q22.1.
Variant type: single nucleotide variant.
Coding change: c.600G>A on transcript NM_004407.4 (MANE Select); coding-DNA position 600, G replaced by A.
Protein change: p.Gly200=; no amino-acid change (glycine 200 retained).
Molecular consequence: synonymous variant.
Genome position (GRCh38, 1-based): chr4:87,662,378, G>A. VCF-style: chr4-87662378-G-A. GRCh37 (hg19) VCF-style: chr4-88583530-G-A.
Other names: c.552G>A, p.Gly184= (NM_001079911.3).
Identifiers: ClinVar variation 905666 (VCV000905666.13), dbSNP rs34682707, ClinGen allele CA3002060.